The following is an entry in ClinVar:

NM_003680.4(YARS1):c.1222C>T (p.Gln408Ter)

Gene: YARS1 (tyrosyl-tRNA synthetase 1; minus strand). Cytogenetic location: 1p35.1.
Variant type: single nucleotide variant.
Coding change: c.1222C>T on transcript NM_003680.4 (MANE Select); coding-DNA position 1222, C replaced by T.
Protein change: p.Gln408Ter; replaces glutamine 408 with a stop codon.
Molecular consequence: nonsense.
Genome position (GRCh38, 1-based): chr1:32,780,197, G>A on the plus strand (C>T on the coding strand, the complement: YARS1 is on the minus strand). VCF-style: chr1-32780197-G-A. GRCh37 (hg19) VCF-style: chr1-33245798-G-A.
Other names: short protein forms Q408*.
Identifiers: ClinVar variation 1904618 (VCV001904618.5), dbSNP rs569727346, ClinGen allele CA20273882.

ClinVar aggregate classification (germline): Uncertain significance (1 of 4 stars; one submission).

Conditions:
Charcot-Marie-Tooth disease dominant intermediate C (CMTDIC). Also called: CHARCOT-MARIE-TOOTH NEUROPATHY, DOMINANT INTERMEDIATE C. Identifiers: Orphanet 100045, MedGen C1842237, MONDO:0012012, OMIM 608323.

Allele frequency attached by ClinVar (database versions not stated): gnomAD 0.00001; 1000 Genomes Project 30x 0.00031; 1000 Genomes Project 0.00040.
gnomAD v4.1: 3 of 1,614,152 alleles (0.00019%); highest among the groups gnomAD compares: East Asian, 0.0045%; no homozygotes.

Submission:

Labcorp Genetics (formerly Invitae), Labcorp
Classification: Uncertain significance for Charcot-Marie-Tooth disease dominant intermediate C. Last evaluated: 2022-01-06. Review status: criteria provided, single submitter. Criteria: Invitae Variant Classification Sherloc (09022015). Collection method: clinical testing. Allele origin: germline.
Comment: In summary, the available evidence is currently insufficient to determine the role of this variant in disease. Therefore, it has been classified as a Variant of Uncertain Significance. This variant has not been reported in the literature in individuals affected with YARS-related conditions. This variant is not present in population databases (gnomAD no frequency). This sequence change creates a premature translational stop signal (p.Gln408*) in the YARS gene. It is expected to result in an absent or disrupted protein product. However, the current clinical and genetic evidence is not sufficient to establish whether loss-of-function variants in YARS cause disease.